The following is an entry in ClinVar:

NM_012434.5(SLC17A5):c.1035_1036insCTTATACACA (p.Gly346fs)

Gene: SLC17A5 (solute carrier family 17 member 5; minus strand). Cytogenetic location: 6q13.
Variant type: Insertion.
Coding change: c.1035_1036insCTTATACACA on transcript NM_012434.5 (MANE Select); coding-DNA positions 1035 to 1036, CTTATACACA inserted.
Protein change: p.Gly346fs; shifts the reading frame from glycine 346.
Molecular consequence: frameshift variant.
Genome position: GRCh38 VCF-style: chr6-73615390-C-CTGTGTATAAG. GRCh37 (hg19) VCF-style: chr6-74325113-C-CTGTGTATAAG.
Other names: c.804_805insCTTATACACA, p.Gly269fs (NM_001382629.1); c.1035_1036insCTTATACACA, p.Gly346fs (NM_001382630.1, NM_001382633.1); c.1056_1057insCTTATACACA, p.Gly353fs (NM_001382631.1); c.948_949insCTTATACACA, p.Gly317fs (NM_001382632.1); c.876_877insCTTATACACA, p.Gly293fs (NM_001382634.1); c.1032_1033insCTTATACACA, p.Gly345fs (NM_001382635.1); c.717_718insCTTATACACA, p.Gly240fs (NM_001382636.1); short protein forms G240fs, G269fs, G293fs, G317fs, G345fs, G346fs, G353fs.
Identifiers: ClinVar variation 1726212 (VCV001726212.3), dbSNP rs2533429445, ClinGen allele CA2580075766.

ClinVar aggregate classification (germline): Likely pathogenic (1 of 4 stars; one submission).

Conditions:
Sialic acid storage disease, severe infantile type (ISSD). Also called: INFANTILE SIALIC ACID STORAGE DISORDER; N-ACETYLNEURAMINIC ACID STORAGE DISEASE; NANA STORAGE DISEASE; SIALURIA, INFANTILE FORM; Infantile Sialic Acid Storage Disease; Free sialic acid storage disease, infantile form. Identifiers: Orphanet 309324, Orphanet 834, MedGen C1096902, MONDO:0010027, OMIM 269920.

Submission:

Myriad Genetics, Inc.
Classification: Likely pathogenic for Sialic acid storage disease, severe infantile type. Last evaluated: 2022-05-25. Review status: criteria provided, single submitter. Criteria: Myriad Autosomal Dominant, Autosomal Recessive and X-Linked Classification Criteria (2023). Collection method: clinical testing. Allele origin: unknown.
Comment: NM_012434.4(SLC17A5):c.1035_1036ins10(G346Lfs*8) is expected to be pathogenic in the context of free sialic acid storage disorders. This variant is predicted to lead to an abnormal or absent protein product due to the creation of a premature termination codon in SLC17A5, a gene where loss-of-function variants are known to be pathogenic. Please note: this variant was assessed in the context of healthy population screening.